The following is an entry in ClinVar:

ClinVar aggregate classification (germline): Pathogenic (1 of 4 stars; one submission).

Conditions:
Cystic fibrosis (CF). Also called: MUCOVISCIDOSIS. Identifiers: Orphanet 586, MedGen C0010674, MONDO:0009061, OMIM 219700. Disease mechanism: loss of function.

Submission:

Labcorp Genetics (formerly Invitae), Labcorp
Classification: Pathogenic for Cystic fibrosis. Last evaluated: 2025-04-11. Review status: criteria provided, single submitter. Criteria: Invitae Variant Classification Sherloc (09022015). Collection method: clinical testing. Allele origin: germline.
Comment: This sequence change creates a premature translational stop signal (p.Cys276*) in the CFTR gene. It is expected to result in an absent or disrupted protein product. Loss-of-function variants in CFTR are known to be pathogenic (PMID: 1695717, 7691345, 9725922). Information on the frequency of this variant in the gnomAD database is not available, as this variant may be reported differently in the database. This variant has not been reported in the literature in individuals affected with CFTR-related conditions. For these reasons, this variant has been classified as Pathogenic.

Literature cited by the submitters: PubMed 1695717; PubMed 7691345; PubMed 9725922.

NM_000492.4(CFTR):c.827_828delinsAA (p.Cys276Ter)

Gene: CFTR (CF transmembrane conductance regulator; plus strand). Cytogenetic location: 7q31.2.
Variant type: Indel.
Coding change: c.827_828delinsAA on transcript NM_000492.4 (MANE Select); coding-DNA positions 827 to 828, GC replaced by AA.
Protein change: p.Cys276Ter; replaces cysteine 276 with a stop codon.
Molecular consequence: nonsense.
Genome position (GRCh38, 1-based): chr7:117,536,631-117,536,632, GC replaced by AA. VCF-style: chr7-117536631-GC-AA. GRCh37 (hg19) VCF-style: chr7-117176685-GC-AA.
Other names: short protein forms C276*.
Identifiers: ClinVar variation 4770584 (VCV004770584.1).